The following is an entry in ClinVar:

NM_000051.4(ATM):c.7450G>T (p.Val2484Leu)

Genes: ATM (ATM serine/threonine kinase; plus strand), C11orf65 (chromosome 11 open reading frame 65; minus strand). Cytogenetic location: 11q22.3.
Variant type: single nucleotide variant.
Coding change: c.7450G>T on transcript NM_000051.4 (MANE Select); coding-DNA position 7450, G replaced by T.
Protein change: p.Val2484Leu; replaces valine 2484 with leucine.
Molecular consequence: missense variant. On other transcripts: intron variant (2).
Genome position (GRCh38, 1-based): chr11:108,330,356, G>T. VCF-style: chr11-108330356-G-T. GRCh37 (hg19) VCF-style: chr11-108201083-G-T.
Other names: c.7450G>T, p.Val2484Leu (NM_001351834.2); c.641-21285C>A (NM_001330368.2); c.*38+4864C>A (NM_001351110.2); short protein forms V2484L.
Identifiers: ClinVar variation 827060 (VCV000827060.13), dbSNP rs587779864, ClinGen allele CA382560345.
Genomic context (GRCh38, chr11:108,330,356, plus strand): 5'-TGTAAAGCAGTTGAAAATTATATCAACTGCTTATTAAGTGGAGAAGAACATGATATGTGG[G>T]TATTCCGACTTTGTTCCCTCTGGCTTGAAAATTCTGGAGTTTCTGAAGTCAATGGCATGA-3'
Protein context (NP_000042.3, residues 2474-2494): LLSGEEHDMW[Val2484Leu]FRLCSLWLEN

ClinVar aggregate classification (germline): Uncertain significance. Review status: criteria provided, multiple submitters, no conflicts (2 of 4 stars). 2 submissions from 2 submitters: Uncertain significance (2). Last evaluated 2021-08-20.

Conditions:
Hereditary cancer-predisposing syndrome. Also called: Tumor predisposition; Neoplastic Syndromes, Hereditary; Hereditary Cancer Syndrome; Hereditary neoplastic syndrome. Identifiers: Orphanet 140162, MedGen C0027672, MeSH D009386, MONDO:0015356.
Ataxia-telangiectasia syndrome (AT). Also called: ATAXIA-TELANGIECTASIA, COMPLEMENTATION GROUP A; ATAXIA-TELANGIECTASIA, FRESNO VARIANT; Ataxia-telangiectasia; Ataxia-telangiectasia, complementation group D; AT, COMPLEMENTATION GROUP C; Ataxia-telangiectasia, complementation group E. Identifiers: Orphanet 100, MedGen C0004135, MONDO:0008840, OMIM 208900.

gnomAD v4.1: 1 of 1,614,164 alleles (0.000062%); highest among the groups gnomAD compares: Non-Finnish European, 0.000085%; no homozygotes.

Submissions (2):

Ambry Genetics
Classification: Uncertain significance for Hereditary cancer-predisposing syndrome. Last evaluated: 2021-08-20. Review status: criteria provided, single submitter. Criteria: Ambry Variant Classification Scheme 2023. Collection method: clinical testing. Allele origin: germline.
Comment: The p.V2484L variant (also known as c.7450G>T), located in coding exon 49 of the ATM gene, results from a G to T substitution at nucleotide position 7450. The valine at codon 2484 is replaced by leucine, an amino acid with highly similar properties. This amino acid position is not well conserved in available vertebrate species. In addition, the in silico prediction for this alteration is inconclusive. Since supporting evidence is limited at this time, the clinical significance of this alteration remains unclear.

Labcorp Genetics (formerly Invitae), Labcorp
Classification: Uncertain significance for Ataxia-telangiectasia syndrome. Last evaluated: 2020-10-18. Review status: criteria provided, single submitter. Criteria: Invitae Variant Classification Sherloc (09022015). Collection method: clinical testing. Allele origin: germline.
Comment: This variant has not been reported in the literature in individuals with ATM-related conditions. ClinVar contains an entry for this variant (Variation ID: 827060). This variant is not present in population databases (ExAC no frequency). This sequence change replaces valine with leucine at codon 2484 of the ATM protein (p.Val2484Leu). The valine residue is moderately conserved and there is a small physicochemical difference between valine and leucine. Advanced modeling of protein sequence and biophysical properties (such as structural, functional, and spatial information, amino acid conservation, physicochemical variation, residue mobility, and thermodynamic stability) performed at Invitae indicates that this missense variant is not expected to disrupt ATM protein function. In summary, the available evidence is currently insufficient to determine the role of this variant in disease. Therefore, it has been classified as a Variant of Uncertain Significance.